The following is an entry in ClinVar:

ClinVar aggregate classification (germline): Uncertain significance (1 of 4 stars; one submission).

Conditions:
Congenital sideroblastic anemia-B-cell immunodeficiency-periodic fever-developmental delay syndrome. Also called: Sideroblastic anemia with B-cell immunodeficiency, periodic fevers, and developmental delay. Identifiers: Orphanet 369861, MedGen C4015172, MONDO:0014487, OMIM 616084.

Submission:

Labcorp Genetics (formerly Invitae), Labcorp
Classification: Uncertain significance for Congenital sideroblastic anemia-B-cell immunodeficiency-periodic fever-developmental delay syndrome. Last evaluated: 2020-11-06. Review status: criteria provided, single submitter. Criteria: Invitae Variant Classification Sherloc (09022015). Collection method: clinical testing. Allele origin: germline.
Comment: This sequence change replaces glutamine with histidine at codon 38 of the TRNT1 protein (p.Gln38His). The glutamine residue is moderately conserved and there is a small physicochemical difference between glutamine and histidine. This variant is not present in population databases (ExAC no frequency). This variant has not been reported in the literature in individuals with TRNT1-related conditions. Algorithms developed to predict the effect of missense changes on protein structure and function are either unavailable or do not agree on the potential impact of this missense change (SIFT: "Deleterious"; PolyPhen-2: "Benign"; Align-GVGD: "Class C0"). In summary, the available evidence is currently insufficient to determine the role of this variant in disease. Therefore, it has been classified as a Variant of Uncertain Significance.

NM_182916.3(TRNT1):c.114G>C (p.Gln38His)

Gene: TRNT1 (tRNA nucleotidyl transferase 1; plus strand). Cytogenetic location: 3p26.2.
Variant type: single nucleotide variant.
Coding change: c.114G>C on transcript NM_182916.3 (MANE Select); coding-DNA position 114, G replaced by C.
Protein change: p.Gln38His; replaces glutamine 38 with histidine.
Molecular consequence: missense variant. On other transcripts: non-coding transcript variant (11).
Genome position (GRCh38, 1-based): chr3:3,129,154, G>C. VCF-style: chr3-3129154-G-C. GRCh37 (hg19) VCF-style: chr3-3170838-G-C.
Other names: c.114G>C, p.Gln38His (NM_001302946.2, NM_001367321.1, NM_001367322.1 and 1 more transcripts); short protein forms Q38H.
Identifiers: ClinVar variation 1439826 (VCV001439826.8), dbSNP rs2126002222, ClinGen allele CA351442326.